The following is an entry in ClinVar:

ClinVar aggregate classification (germline): Likely pathogenic (1 of 4 stars; one submission).

Conditions:
Lethal Kniest-like syndrome (DDSH). Also called: Dyssegmental Dysplasia. Identifiers: Orphanet 1865, MedGen C1857100, MONDO:0009140, OMIM 224410.

Submission:

Centre for Mendelian Genomics, University Medical Centre Ljubljana
Classification: Likely pathogenic for Lethal Kniest-like syndrome. Last evaluated: 2018-10-04. Review status: criteria provided, single submitter. Criteria: ACMG Guidelines, 2015. Collection method: clinical testing. Allele origin: unknown. Affected: yes.
Comment: This variant was classified as: Likely pathogenic. The following ACMG criteria were applied in classifying this variant: PVS1,PM2.

NM_005529.7(HSPG2):c.6437del (p.Pro2146fs)

Gene: HSPG2 (heparan sulfate proteoglycan 2; minus strand). Cytogenetic location: 1p36.12.
Variant type: Deletion.
Coding change: c.6437del on transcript NM_005529.7 (MANE Select); coding-DNA position 6437, one base deleted (C; older notation c.6437delC).
Protein change: p.Pro2146fs; shifts the reading frame from proline 2146.
Molecular consequence: frameshift variant.
Genome position (GRCh38, 1-based): chr1:21,854,195, G deleted on the plus strand (C on the coding strand, the reverse complement: HSPG2 is on the minus strand); the first of 4 consecutive G bases (chr1:21,854,195-21,854,198); deleting any one gives the same sequence. VCF-style (leftmost placement, unchanged base first): chr1-21854194-TG-T. GRCh37 (hg19) VCF-style: chr1-22180687-TG-T.
Other names: c.6440del, p.Pro2147fs (NM_001291860.2); short protein forms P2146fs, P2147fs.
Identifiers: ClinVar variation 930864 (VCV000930864.3), dbSNP rs1419062047, ClinGen allele CA731627182.